The following is an entry in ClinVar:

ClinVar aggregate classification (germline): Uncertain significance (1 of 4 stars; one submission).

Conditions:
Congenital insensitivity to pain-hypohidrosis syndrome. Also called: Neuropathy, hereditary sensory and autonomic, type VIII; HSAN VIII. Identifiers: Orphanet 478664, MedGen C4225308, MONDO:0014662, OMIM 616488.

Allele frequency attached by ClinVar (database versions not stated): gnomAD exomes below 0.00001; TOPMed 0.00001.
gnomAD v4.1: 1 of 1,613,124 alleles (0.000062%); highest among the groups gnomAD compares: Non-Finnish European, 0.000085%; no homozygotes.

Submission:

Labcorp Genetics (formerly Invitae), Labcorp
Classification: Uncertain significance for Congenital insensitivity to pain-hypohidrosis syndrome. Last evaluated: 2021-08-31. Review status: criteria provided, single submitter. Criteria: Invitae Variant Classification Sherloc (09022015). Collection method: clinical testing. Allele origin: germline.
Comment: This sequence change replaces isoleucine with threonine at codon 89 of the PRDM12 protein (p.Ile89Thr). The isoleucine residue is highly conserved and there is a moderate physicochemical difference between isoleucine and threonine. This variant is not present in population databases (ExAC no frequency). This variant has not been reported in the literature in individuals affected with PRDM12-related conditions. Algorithms developed to predict the effect of missense changes on protein structure and function are either unavailable or do not agree on the potential impact of this missense change (SIFT: "Deleterious"; PolyPhen-2: "Benign"; Align-GVGD: "Class C0"). In summary, the available evidence is currently insufficient to determine the role of this variant in disease. Therefore, it has been classified as a Variant of Uncertain Significance.

NM_021619.3(PRDM12):c.266T>C (p.Ile89Thr)

Genes: PRDM12 (PR/SET domain 12; plus strand), LOC126860775 (CDK7 strongly-dependent group 2 enhancer GRCh37_chr9:133541982-133543181; plus strand). Cytogenetic location: 9q34.12.
Variant type: single nucleotide variant.
Coding change: c.266T>C on transcript NM_021619.3 (MANE Select); coding-DNA position 266, T replaced by C.
Protein change: p.Ile89Thr; replaces isoleucine 89 with threonine.
Molecular consequence: missense variant.
Genome position (GRCh38, 1-based): chr9:130,666,650, T>C. VCF-style: chr9-130666650-T-C. GRCh37 (hg19) VCF-style: chr9-133542037-T-C.
Other names: short protein forms I89T.
Identifiers: ClinVar variation 1433654 (VCV001433654.5), dbSNP rs1588184171, ClinGen allele CA375246205.